The following is an entry in ClinVar:

ClinVar aggregate classification (germline): Uncertain significance (1 of 4 stars; one submission).

Allele frequency attached by ClinVar (database versions not stated): gnomAD exomes 0.00001 and 0.00002.
gnomAD v4.1: 7 of 1,613,174 alleles (0.00043%); highest among the groups gnomAD compares: Admixed American, 0.0017%; no homozygotes.

Submission:

Laboratory for Molecular Medicine, Mass General Brigham Personalized Medicine
Classification: Uncertain significance. Last evaluated: 2015-06-15. Review status: criteria provided, single submitter. Criteria: LMM Criteria. Collection method: clinical testing. Allele origin: germline. Observed: 1 variant allele.
Comment: The p.Asp1663Asn variant in MYO15A has not been previously reported in individua ls with hearing loss and was absent from large population studies. Computational prediction tools and conservation analyses suggest that the Asp1663Asn variant may impact the protein, though this information is not predictive enough to dete rmine pathogenicity. In summary, the clinical significance of the p.Asp1663Asn v ariant is uncertain.

NM_016239.4(MYO15A):c.4987G>A (p.Asp1663Asn)

Gene: MYO15A (myosin XVA; plus strand). Cytogenetic location: 17p11.2.
Variant type: single nucleotide variant.
Coding change: c.4987G>A on transcript NM_016239.4 (MANE Select); coding-DNA position 4987, G replaced by A.
Protein change: p.Asp1663Asn; replaces aspartic acid 1663 with asparagine.
Molecular consequence: missense variant.
Genome position (GRCh38, 1-based): chr17:18,138,226, G>A. VCF-style: chr17-18138226-G-A. GRCh37 (hg19) VCF-style: chr17-18041540-G-A.
Other names: short protein forms D1663N.
Identifiers: ClinVar variation 228957 (VCV000228957.4), dbSNP rs876657899, ClinGen allele CA10577018.
Genomic context (GRCh38, chr17:18,138,226, plus strand): 5'-AACCAGCCCTGCATCAACCTCATCTCACTGAAGCCTTATGGCATCCTGCGGATCCTTGAC[G>A]ACCAGTGTTGCTTTCCCCAGGTGAGCCGCAGGCACTGTGTGAGCCTAGTCAGGTCACAGA-3'
Protein context (NP_057323.3, residues 1653-1673): KPYGILRILD[Asp1663Asn]QCCFPQATDH